The following is an entry in ClinVar:

ClinVar aggregate classification (germline): Uncertain significance. Review status: criteria provided, multiple submitters, no conflicts (2 of 4 stars). 3 submissions from 3 submitters: Uncertain significance (3). Last evaluated 2025-11-04.

Conditions:
Inborn genetic diseases. Identifiers: MedGen C0950123, MeSH D030342.
Autosomal recessive limb-girdle muscular dystrophy type 2Q (LGMDR17). Also called: MUSCULAR DYSTROPHY, LIMB-GIRDLE, AUTOSOMAL RECESSIVE 17. Identifiers: Orphanet 254361, MedGen C3150989, MONDO:0013390, OMIM 613723.
Epidermolysis bullosa simplex 5B, with muscular dystrophy (EBS5B). Also called: Epidermolysis bullosa simplex with muscular dystrophy; EPIDERMOLYSIS BULLOSA SIMPLEX AND LIMB-GIRDLE MUSCULAR DYSTROPHY. Identifiers: Orphanet 257, MedGen C2931072, MONDO:0009181, OMIM 226670.
Epidermolysis bullosa simplex, Ogna type (EBS5A). Also called: Pidermolysis bullosa simplex 5A, Ogna type; EPIDERMOLYSIS BULLOSA SIMPLEX 5A, OGNA TYPE. Identifiers: Orphanet 79401, MedGen C0432317, MONDO:0007555, OMIM 131950.
Epidermolysis bullosa simplex 5C, with pyloric atresia (EBS5C). Also called: PLEC1-Related Epidermolysis Bullosa with Pyloric Atresia; Epidermolysis bullosa simplex with pyloric atresia; PLEC-Related Epidermolysis Bullosa with Pyloric Atresia. Identifiers: Orphanet 158684, MedGen C2677349, MONDO:0012807, OMIM 612138.
Epidermolysis bullosa simplex with nail dystrophy (EBS5D). Identifiers: MedGen C4225309, MONDO:0014661, OMIM 616487.

Allele frequency attached by ClinVar (database versions not stated): ExAC 0.00005; gnomAD exomes 0.00005; TOPMed 0.00008; gnomAD 0.00010 and 0.00011.
gnomAD v4.1: 392 of 1,611,344 alleles (0.024%); highest among the groups gnomAD compares: Non-Finnish European, 0.032%; 1 homozygote.

Submissions (3):

Labcorp Genetics (formerly Invitae), Labcorp
Classification: Uncertain significance for Autosomal recessive limb-girdle muscular dystrophy type 2Q; Epidermolysis bullosa simplex, Ogna type; Epidermolysis bullosa simplex with nail dystrophy; Epidermolysis bullosa simplex 5C, with pyloric atresia; Epidermolysis bullosa simplex 5B, with muscular dystrophy. Last evaluated: 2025-11-04. Review status: criteria provided, single submitter. Criteria: Invitae Variant Classification Sherloc (09022015). Collection method: clinical testing. Allele origin: germline.
Comment: This sequence change replaces lysine, which is basic and polar, with glutamine, which is neutral and polar, at codon 4499 of the PLEC protein (p.Lys4499Gln). This variant is present in population databases (rs782417764, gnomAD 0.01%). This variant has not been reported in the literature in individuals affected with PLEC-related conditions. ClinVar contains an entry for this variant (Variation ID: 848195). Invitae Evidence Modeling of protein sequence and biophysical properties (such as structural, functional, and spatial information, amino acid conservation, physicochemical variation, residue mobility, and thermodynamic stability) indicates that this missense variant is not expected to disrupt PLEC protein function with a negative predictive value of 80%. In summary, the available evidence is currently insufficient to determine the role of this variant in disease. Therefore, it has been classified as a Variant of Uncertain Significance.

Ambry Genetics
Classification: Uncertain significance for Inborn genetic diseases. Last evaluated: 2024-09-26. Review status: criteria provided, single submitter. Criteria: Ambry Variant Classification Scheme 2023. Collection method: clinical testing. Allele origin: germline.

Revvity Omics, Revvity
Classification: Uncertain significance. Last evaluated: 2023-03-16. Review status: criteria provided, single submitter. Criteria: ACMG Guidelines, 2015. Collection method: clinical testing. Allele origin: germline.

NM_201384.3(PLEC):c.13414A>C (p.Lys4472Gln)

Gene: PLEC (plectin; minus strand). Cytogenetic location: 8q24.3.
Variant type: single nucleotide variant.
Coding change: c.13414A>C on transcript NM_201384.3 (MANE Select); coding-DNA position 13414, A replaced by C.
Protein change: p.Lys4472Gln; replaces lysine 4472 with glutamine.
Molecular consequence: missense variant.
Genome position (GRCh38, 1-based): chr8:143,916,407, T>G on the plus strand (A>C on the coding strand, the complement: PLEC is on the minus strand). VCF-style: chr8-143916407-T-G. GRCh37 (hg19) VCF-style: chr8-144990575-T-G.
Other names: c.13495A>C, p.Lys4499Gln (NM_000445.5); c.13372A>C, p.Lys4458Gln (NM_201378.4); c.13348A>C, p.Lys4450Gln (NM_201379.3); c.13825A>C, p.Lys4609Gln (NM_201380.4); c.13318A>C, p.Lys4440Gln (NM_201381.3); c.13414A>C, p.Lys4472Gln (NM_201382.4); c.13426A>C, p.Lys4476Gln (NM_201383.3); c.13495A>C (NM_000445.3); short protein forms K4440Q, K4476Q, K4450Q, K4472Q, K4499Q, K4458Q, K4609Q.
Identifiers: ClinVar variation 848195 (VCV000848195.13), dbSNP rs782417764, ClinGen allele CA4923813.